The following is an entry in ClinVar:

NM_005726.6(TSFM):c.910G>A (p.Gly304Arg)

Gene: TSFM (Ts translation elongation factor, mitochondrial; plus strand). Cytogenetic location: 12q14.1.
Variant type: single nucleotide variant.
Coding change: c.910G>A on transcript NM_005726.6 (MANE Select); coding-DNA position 910, G replaced by A.
Protein change: p.Gly304Arg; replaces glycine 304 with arginine.
Molecular consequence: missense variant. On other transcripts: 3 prime UTR variant (1), intron variant (1).
Genome position (GRCh38, 1-based): chr12:57,796,515, G>A. VCF-style: chr12-57796515-G-A. GRCh37 (hg19) VCF-style: chr12-58190298-G-A.
Other names: c.*318G>A (NM_001172695.2); c.973G>A, p.Gly325Arg (NM_001172696.2); c.571+3442G>A (NM_001172697.2); short protein forms G325R, G304R.
Identifiers: ClinVar variation 1927219 (VCV001927219.5), dbSNP rs748940010, ClinGen allele CA385532082.

ClinVar aggregate classification (germline): Uncertain significance (1 of 4 stars; one submission).

gnomAD v4.1: 1 of 1,528,450 alleles (0.000065%); no homozygotes.

Submission:

Labcorp Genetics (formerly Invitae), Labcorp
Classification: Uncertain significance. Last evaluated: 2022-02-08. Review status: criteria provided, single submitter. Criteria: Invitae Variant Classification Sherloc (09022015). Collection method: clinical testing. Allele origin: germline.
Comment: In summary, the available evidence is currently insufficient to determine the role of this variant in disease. Therefore, it has been classified as a Variant of Uncertain Significance. Algorithms developed to predict the effect of missense changes on protein structure and function are either unavailable or do not agree on the potential impact of this missense change (SIFT: "Tolerated"; PolyPhen-2: "Probably Damaging"; Align-GVGD: "Class C0"). This variant has not been reported in the literature in individuals affected with TSFM-related conditions. This variant is present in population databases (no rsID available, gnomAD 0.03%). This sequence change replaces glycine, which is neutral and non-polar, with arginine, which is basic and polar, at codon 325 of the TSFM protein (p.Gly325Arg).